The following is an entry in ClinVar:

ClinVar aggregate classification (germline): Uncertain significance. Review status: criteria provided, multiple submitters, no conflicts (2 of 4 stars). 2 submissions from 2 submitters: Uncertain significance (2). Last evaluated 2025-04-08.

Conditions:
PLXNA2-related disorder. Also called: PLXNA2-related condition.

Allele frequency attached by ClinVar (database versions not stated): TOPMed 0.00001; ExAC 0.00003.
gnomAD v4.1: 43 of 1,613,038 alleles (0.0027%); highest among the groups gnomAD compares: South Asian, 0.011%; no homozygotes.

Submissions (2):

Labcorp Genetics (formerly Invitae), Labcorp
Classification: Uncertain significance. Last evaluated: 2025-04-08. Review status: criteria provided, single submitter. Criteria: Invitae Variant Classification Sherloc (09022015). Collection method: clinical testing. Allele origin: germline.
Comment: This sequence change replaces arginine, which is basic and polar, with glutamine, which is neutral and polar, at codon 1637 of the PLXNA2 protein (p.Arg1637Gln). This variant is present in population databases (rs760158975, gnomAD 0.01%). This variant has not been reported in the literature in individuals affected with PLXNA2-related conditions. ClinVar contains an entry for this variant (Variation ID: 1896232). Invitae Evidence Modeling of protein sequence and biophysical properties (such as structural, functional, and spatial information, amino acid conservation, physicochemical variation, residue mobility, and thermodynamic stability) indicates that this missense variant is not expected to disrupt PLXNA2 protein function with a negative predictive value of 80%. In summary, the available evidence is currently insufficient to determine the role of this variant in disease. Therefore, it has been classified as a Variant of Uncertain Significance.

PreventionGenetics, part of Exact Sciences
Classification: Uncertain significance for PLXNA2-related condition. Last evaluated: 2025-01-29. Review status: criteria provided, single submitter. Criteria: ACMG Guidelines, 2015. Collection method: clinical testing. Allele origin: germline.
Comment: The PLXNA2 c.4910G>A variant is predicted to result in the amino acid substitution p.Arg1637Gln. To our knowledge, this variant has not been reported in the literature. This variant is reported in 0.014% of alleles in individuals of Latino descent in gnomAD. At this time, the clinical significance of this variant is uncertain due to the absence of conclusive functional and genetic evidence.

NM_025179.4(PLXNA2):c.4910G>A (p.Arg1637Gln)

Gene: PLXNA2 (plexin A2; minus strand). Cytogenetic location: 1q32.2.
Variant type: single nucleotide variant.
Coding change: c.4910G>A on transcript NM_025179.4 (MANE Select); coding-DNA position 4910, G replaced by A.
Protein change: p.Arg1637Gln; replaces arginine 1637 with glutamine.
Molecular consequence: missense variant.
Genome position (GRCh38, 1-based): chr1:208,033,464, C>T on the plus strand (G>A on the coding strand, the complement: PLXNA2 is on the minus strand). VCF-style: chr1-208033464-C-T. GRCh37 (hg19) VCF-style: chr1-208206809-C-T.
Other names: c.4910G>A (NM_025179.3); short protein forms R1637Q.
Identifiers: ClinVar variation 1896232 (VCV001896232.8), dbSNP rs760158975, ClinGen allele CA1372711.